The following is an entry in ClinVar:

ClinVar aggregate classification (germline): Uncertain significance (1 of 4 stars; one submission).

Conditions:
Baller-Gerold syndrome (BGS). Also called: CRANIOSYNOSTOSIS WITH RADIAL DEFECTS. Identifiers: Orphanet 1225, MedGen C0265308, MONDO:0009039, OMIM 218600.

Allele frequency attached by ClinVar (database versions not stated): TOPMed 0.00002.

Submission:

Labcorp Genetics (formerly Invitae), Labcorp
Classification: Uncertain significance for Baller-Gerold syndrome. Last evaluated: 2025-07-21. Review status: criteria provided, single submitter. Criteria: Invitae Variant Classification Sherloc (09022015). Collection method: clinical testing. Allele origin: germline.
Comment: This sequence change replaces arginine, which is basic and polar, with proline, which is neutral and non-polar, at codon 826 of the RECQL4 protein (p.Arg826Pro). This variant is not present in population databases (gnomAD no frequency). This variant has not been reported in the literature in individuals affected with RECQL4-related conditions. ClinVar contains an entry for this variant (Variation ID: 856863). Invitae Evidence Modeling of protein sequence and biophysical properties (such as structural, functional, and spatial information, amino acid conservation, physicochemical variation, residue mobility, and thermodynamic stability) indicates that this missense variant is not expected to disrupt RECQL4 protein function with a negative predictive value of 80%. In summary, the available evidence is currently insufficient to determine the role of this variant in disease. Therefore, it has been classified as a Variant of Uncertain Significance.

NM_004260.4(RECQL4):c.2477G>C (p.Arg826Pro)

Gene: RECQL4 (RecQ like helicase 4; minus strand). Cytogenetic location: 8q24.3.
Variant type: single nucleotide variant.
Coding change: c.2477G>C on transcript NM_004260.4 (MANE Select); coding-DNA position 2477, G replaced by C.
Protein change: p.Arg826Pro; replaces arginine 826 with proline.
Molecular consequence: missense variant.
Genome position (GRCh38, 1-based): chr8:144,513,125, C>G on the plus strand (G>C on the coding strand, the complement: RECQL4 is on the minus strand). VCF-style: chr8-144513125-C-G. GRCh37 (hg19) VCF-style: chr8-145738508-C-G.
Other names: short protein forms R826P.
Identifiers: ClinVar variation 856863 (VCV000856863.6), dbSNP rs770800467, ClinGen allele CA372677571.
Genomic context (GRCh38, chr8:144,513,125, plus strand): 5'-ACCAGCCTCTTCACAGCCAGGAAGTCCGTGCTGTCGGCGTGCACATGTCTGCGCAGCTCT[C>G]GCAGGTCTTCGCCCTGCAGGGCAACTTTCATGAGGGTGGGGTGGACCACTGGGGGCTCGA-3'
Protein context (NP_004251.4, residues 816-836): LFLQPQGEDL[Arg826Pro]ELRRHVHADS